The following is an entry in ClinVar:

ClinVar aggregate classification (germline): Uncertain significance (1 of 4 stars; one submission).

Conditions:
Autosomal dominant hypocalcemia 1 (HYPOC1). Also called: HYPOCALCEMIA, FAMILIAL. Identifiers: MedGen C3715128, MONDO:0011013, OMIM 601198.
Familial hypocalciuric hypercalcemia (FHH). Also called: Familial benign hypercalcemia. Identifiers: Orphanet 405, MedGen C1809471, MONDO:0018458.

Submission:

Labcorp Genetics (formerly Invitae), Labcorp
Classification: Uncertain significance for Familial hypocalciuric hypercalcemia; Autosomal dominant hypocalcemia 1. Last evaluated: 2025-06-03. Review status: criteria provided, single submitter. Criteria: Invitae Variant Classification Sherloc (09022015). Collection method: clinical testing. Allele origin: germline.
Comment: This sequence change affects codon 62 of the CASR mRNA. It is a 'silent' change, meaning that it does not change the encoded amino acid sequence of the CASR protein. It affects a nucleotide within the consensus splice site. This variant is not present in population databases (gnomAD no frequency). This variant has not been reported in the literature in individuals affected with CASR-related conditions. ClinVar contains an entry for this variant (Variation ID: 1007225). Algorithms developed to predict the effect of sequence changes on RNA splicing suggest that this variant is not likely to affect RNA splicing. In summary, the available evidence is currently insufficient to determine the role of this variant in disease. Therefore, it has been classified as a Variant of Uncertain Significance.

NM_000388.4(CASR):c.186G>A (p.Arg62=)

Gene: CASR (calcium sensing receptor; plus strand). Cytogenetic location: 3q21.1.
Variant type: single nucleotide variant.
Coding change: c.186G>A on transcript NM_000388.4 (MANE Select); coding-DNA position 186, G replaced by A.
Protein change: p.Arg62=; no amino-acid change (arginine 62 retained).
Molecular consequence: synonymous variant.
Genome position (GRCh38, 1-based): chr3:122,257,081, G>A. VCF-style: chr3-122257081-G-A. GRCh37 (hg19) VCF-style: chr3-121975928-G-A.
Other names: c.186G>A, p.Arg62= (NM_001178065.2).
Identifiers: ClinVar variation 1007225 (VCV001007225.9), dbSNP rs1414007336, ClinGen allele CA435403984.
Genomic context (GRCh38, chr3:122,257,081, plus strand): 5'-TTACTCTAAAGTCGTTGACTAGAAAGCTTCCCATTTTCTTCCACTTCTTCTTTCTTCCAG[G>A]TATAATTTCCGTGGGTTTCGCTGGTTACAGGCTATGATATTTGCCATAGAGGAGATAAAC-3'
Protein context (NP_000379.3, residues 52-72): KSRPESVECI[Arg62=]YNFRGFRWLQ